The following is an entry in ClinVar:

ClinVar aggregate classification (germline): Uncertain significance (1 of 4 stars; one submission).

Submission:

Quest Diagnostics Nichols Institute San Juan Capistrano
Classification: Uncertain significance. Last evaluated: 2024-12-10. Review status: criteria provided, single submitter. Criteria: Quest Diagnostics criteria. Collection method: clinical testing. Allele origin: unknown.
Comment: The BRCA2 c.6664T>G (p.Tyr2222Asp) variant has been reported in the published literature in an individual with early-onset breast cancer (Karakaya et al. Egypt J Med Hum Genet (2023)24:60). This variant has not been reported in large, multi-ethnic general populations (Genome Aggregation Database). Analysis of this variant using bioinformatics tools for the prediction of the effect of amino acid changes on protein structure and function yielded conflicting predictions that this variant is benign or damaging. Based on the available information, we are unable to determine the clinical significance of this variant.

NM_000059.4(BRCA2):c.6664T>G (p.Tyr2222Asp)

Gene: BRCA2 (BRCA2 DNA repair associated; plus strand). Cytogenetic location: 13q13.1.
Variant type: single nucleotide variant.
Coding change: c.6664T>G on transcript NM_000059.4 (MANE Select); coding-DNA position 6664, T replaced by G.
Protein change: p.Tyr2222Asp; replaces tyrosine 2222 with aspartic acid.
Molecular consequence: missense variant. On other transcripts: non-coding transcript variant (1), intron variant (2).
Genome position (GRCh38, 1-based): chr13:32,341,019, T>G. VCF-style: chr13-32341019-T-G. GRCh37 (hg19) VCF-style: chr13-32915156-T-G.
Other names: c.6664T>G, p.Tyr2222Asp (NM_001406719.1, NM_001406720.1, NM_001432077.1); c.1910-3539T>G (NM_001406721.1); c.425-3539T>G (NM_001406722.1); short protein forms Y2222D.
Identifiers: ClinVar variation 4532832 (VCV004532832.1).